The following is an entry in ClinVar:

NM_000080.4(CHRNE):c.477G>A (p.Trp159Ter)

Genes: CHRNE (cholinergic receptor nicotinic epsilon subunit; minus strand), C17orf107 (chromosome 17 open reading frame 107; plus strand). Cytogenetic location: 17p13.2.
Variant type: single nucleotide variant.
Coding change: c.477G>A on transcript NM_000080.4 (MANE Select); coding-DNA position 477, G replaced by A.
Protein change: p.Trp159Ter; replaces tryptophan 159 with a stop codon.
Molecular consequence: nonsense. On other transcripts: 3 prime UTR variant (1).
Genome position (GRCh38, 1-based): chr17:4,901,955, C>T on the plus strand (G>A on the coding strand, the complement: CHRNE is on the minus strand). VCF-style: chr17-4901955-C-T. GRCh37 (hg19) VCF-style: chr17-4805250-C-T.
Other names: c.*1422C>T (NM_001145536.2); short protein forms W159*.
Identifiers: ClinVar variation 2753928 (VCV002753928.3), dbSNP rs2507560031, ClinGen allele CA397306109.

ClinVar aggregate classification (germline): Pathogenic (1 of 4 stars; one submission).

Conditions:
Congenital myasthenic syndrome 4A. Also called: Myasthenic syndrome, congenital, 4a, slow-channel; MYASTHENIC SYNDROME, CONGENITAL, 4A, SLOW-CHANNEL, AUTOSOMAL RECESSIVE; CONGENITAL MYASTHENIC SYNDROME TYPE Ia1. Identifiers: Orphanet 590, MedGen C4225413, MONDO:0011600, OMIM 605809.

Submission:

Labcorp Genetics (formerly Invitae), Labcorp
Classification: Pathogenic for Congenital myasthenic syndrome 4A. Last evaluated: 2023-08-19. Review status: criteria provided, single submitter. Criteria: Invitae Variant Classification Sherloc (09022015). Collection method: clinical testing. Allele origin: germline.
Comment: This variant is not present in population databases (gnomAD no frequency). For these reasons, this variant has been classified as Pathogenic. This variant has not been reported in the literature in individuals affected with CHRNE-related conditions. This sequence change creates a premature translational stop signal (p.Trp159*) in the CHRNE gene. It is expected to result in an absent or disrupted protein product. Loss-of-function variants in CHRNE are known to be pathogenic (PMID: 22678886).

Literature cited by the submitters: PubMed 22678886.